The following is an entry in ClinVar:

ClinVar aggregate classification (germline): Likely pathogenic (1 of 4 stars; one submission).

Conditions:
Familial adenomatous polyposis 1 (FAP1). Also called: FAMILIAL ADENOMATOUS POLYPOSIS 1, ATTENUATED; POLYPOSIS, ADENOMATOUS INTESTINAL. Identifiers: MedGen C2713442, MONDO:0021056, OMIM 175100. Disease mechanism: loss of function.

Submission:

Labcorp Genetics (formerly Invitae), Labcorp
Classification: Likely pathogenic for Familial adenomatous polyposis 1. Last evaluated: 2015-11-20. Review status: criteria provided, single submitter. Criteria: Invitae Variant Classification Sherloc (09022015). Collection method: clinical testing. Allele origin: germline.
Comment: This variant is a gross duplication of the genomic region encompassing exons 2-8 of the APC gene. The 5' boundary is likely confined to the intronic region between exons 1-2 and the 3' end of this event is likely confined to intronic region between exons 8-9. It may occur in tandem and result in an absent or disrupted protein product. While this particular duplication has not been reported in the literature, truncating variants in APC are known to be pathogenic (PMID: 23159591). For these reasons, this variant has been classified as Likely Pathogenic.

Literature cited by the submitters: PubMed 23159591.

NC_000005.9:g.(?_112090582)_(112137086_?)dup

Gene: APC (APC regulator of Wnt signaling pathway; plus strand). Cytogenetic location: 5q22.2.
Variant type: Duplication.
Identifiers: ClinVar variation 1067200 (VCV001067200.1).